The following is an entry in ClinVar:

NM_000435.3(NOTCH3):c.194G>C (p.Cys65Ser)

Gene: NOTCH3 (notch receptor 3; minus strand). Cytogenetic location: 19p13.12.
Variant type: single nucleotide variant.
Coding change: c.194G>C on transcript NM_000435.3 (MANE Select); coding-DNA position 194, G replaced by C.
Protein change: p.Cys65Ser; replaces cysteine 65 with serine.
Molecular consequence: missense variant.
Genome position (GRCh38, 1-based): chr19:15,197,503, C>G on the plus strand (G>C on the coding strand, the complement: NOTCH3 is on the minus strand). VCF-style: chr19-15197503-C-G. GRCh37 (hg19) VCF-style: chr19-15308314-C-G.
Other names: short protein forms C65S.
Identifiers: ClinVar variation 447803 (VCV000447803.23), dbSNP rs1555730176, ClinGen allele CA404483314.

ClinVar aggregate classification (germline): Pathogenic/Likely pathogenic. Review status: criteria provided, multiple submitters, no conflicts (2 of 4 stars). 8 submissions from 8 submitters: Pathogenic (5); Likely pathogenic (3). Last evaluated 2026-09-01.

Conditions:
Adams-Oliver syndrome 5 (AOS5). Identifiers: Orphanet 974, MedGen C4014970, MONDO:0014459, OMIM 616028.
Cerebral arteriopathy, autosomal dominant, with subcortical infarcts and leukoencephalopathy, type 1 (CADASIL1). Also called: CADASIL 1; CASIL; DEMENTIA, HEREDITARY MULTIINFARCT TYPE; Cerebral arteriopathy with subcortical infarcts and leukoencephalopathy 1. Identifiers: Orphanet 136, MedGen C4551768, MONDO:0000914, OMIM 125310.

Submissions (8):

CeGaT Center for Human Genetics Tuebingen
Classification: Pathogenic. Last evaluated: 2026-09-01. Review status: criteria provided, single submitter. Criteria: CeGaT Center For Human Genetics Tuebingen Variant Classification Criteria Version 2. Collection method: clinical testing. Allele origin: germline. Affected: yes. Observed: 1 variant allele.
Comment: NOTCH3: PM1:Strong, PM2, PM5, PS4:Moderate

Institute of Human Genetics, University of Leipzig Medical Center
Classification: Likely pathogenic for Cerebral arteriopathy, autosomal dominant, with subcortical infarcts and leukoencephalopathy, type 1. Last evaluated: 2025-12-02. Review status: criteria provided, single submitter. Criteria: ACMG Guidelines, 2015. Collection method: clinical testing. Allele origin: unknown. Inheritance: Autosomal dominant inheritance. Affected: yes.
Comment: Criteria applied: PM1_STR,PS4_MOD,PM2,PP3

Clinical Genomics Laboratory, Washington University in St. Louis
Classification: Likely pathogenic for Cerebral arteriopathy, autosomal dominant, with subcortical infarcts and leukoencephalopathy, type 1. Last evaluated: 2025-02-14. Review status: criteria provided, single submitter. Criteria: ACMG Guidelines, 2015. Collection method: clinical testing. Allele origin: germline. Affected: yes.
Comment: The NOTCH3 c.194G>C (p.Cys65Ser) variant has been reported in multiple unrelated individuals affected with cerebral arteriopathy with subcortical infarcts and leukoencephalopathy 1 (CADASIL) (Koizumi T et al., PMID: 30956055; Mizuta I et al., PMID: 28991717; Opherk C et al., PMID: 15364702; Peters N et al., PMID: 16009764). This variant is absent from the general population (gnomAD v.2.1.1), indicating it is not a common variant. This variant results in the alteration of a cysteine residue within the first EGF-like repeat domain of NOTCH3, a region that is recurrently altered in patients with CADASIL (Rutten JW et al., PMID: 24844136). Other variants in the same codon, (p.Cys65Tyr, p.Cys65Phe, p.Cys65Gly), have been reported (Juhosova M et al., PMID: 36401683; Lackovic V et al., PMID: 23025651; ClinVar Variation IDs: 1365706, 972687, 447802). Computational predictors indicate that the variant is damaging, evidence that correlates with impact to NOTCH3 function. This variant has been reported in the ClinVar database as a germline pathogenic or likely pathogenic variant by five submitters. Based on available information and the ACMG/AMP guidelines for variant interpretation (Richards S et al., PMID: 25741868), this variant is classified as likely pathogenic.

Johns Hopkins Genomics, Johns Hopkins University
Classification: Likely pathogenic for Adams-Oliver syndrome 5. Last evaluated: 2025-01-16. Review status: criteria provided, single submitter. Criteria: ACMG Guidelines, 2015. Collection method: clinical testing. Allele origin: germline.
Comment: This variant is classified as likely pathogenic (PM1, PM2, PM5, PP3, PP5).

Athena Diagnostics
Classification: Pathogenic. Last evaluated: 2024-11-22. Review status: criteria provided, single submitter. Criteria: Athena Diagnostics Criteria. Collection method: clinical testing. Allele origin: unknown.
Comment: This variant alters a critical location within the protein, and is expected to severely affect function and cause disease. This variant has not been reported in large, multi-ethnic general populations. This variant has been identified in at least one individual with clinical features associated with CADASIL. Greater than 90% of NOTCH3 pathogenic variants associated with CADASIL involve the gain or loss of a cysteine residue within the epidermal growth factor (EGF)-like repeat domain (PMID: 32457593, 20301673).

Mayo Clinic Laboratories, Mayo Clinic
Classification: Pathogenic. Last evaluated: 2024-11-09. Review status: criteria provided, single submitter. Criteria: ACMG Guidelines, 2015. Collection method: clinical testing. Allele origin: germline. Observed: 2 variant alleles.
Comment: PP2, PP3, PP4, PM1, PM2_moderate, PM5, PS3, PS4

Labcorp Genetics (formerly Invitae), Labcorp
Classification: Pathogenic. Last evaluated: 2024-09-15. Review status: criteria provided, single submitter. Criteria: Invitae Variant Classification Sherloc (09022015). Collection method: clinical testing. Allele origin: germline.
Comment: This sequence change replaces cysteine, which is neutral and slightly polar, with serine, which is neutral and polar, at codon 65 of the NOTCH3 protein (p.Cys65Ser). This variant is not present in population databases (gnomAD no frequency). This missense change has been observed in individuals with cerebral arteriopathy with subcortical infarcts and leukoencephalopathy (PMID: 15364702, 16009764). ClinVar contains an entry for this variant (Variation ID: 447803). Invitae Evidence Modeling of protein sequence and biophysical properties (such as structural, functional, and spatial information, amino acid conservation, physicochemical variation, residue mobility, and thermodynamic stability) indicates that this missense variant is expected to disrupt NOTCH3 protein function with a positive predictive value of 95%. This variant disrupts the p.Cys65 amino acid residue in NOTCH3. Other variant(s) that disrupt this residue have been observed in individuals with NOTCH3-related conditions (PMID: 21078731, 23025651), which suggests that this may be a clinically significant amino acid residue. For these reasons, this variant has been classified as Pathogenic.

ARUP Laboratories, Molecular Genetics and Genomics, ARUP Laboratories
Classification: Pathogenic. Review status: criteria provided, single submitter. Criteria: ARUP Molecular Germline Variant Investigation Process 2024. Collection method: clinical testing. Allele origin: germline.
Comment: The NOTCH3 c.194G>C; p.Cys65Ser variant is reported in the literature in multiple individuals affected with CADASIL (Koizumi 2019, Mukai 2020, Opherk 2004, Peters 2005, Shindo 2020, Yeung 2018). This variant is absent from the Genome Aggregation Database (v2.1.1), indicating it is not a common polymorphism. Computational analyses predict that this variant is deleterious (REVEL: 0.884). Most pathogenic NOTCH3 variants occur in exons 2-24 and either create or destroy a cysteine residue within an EGF-like domain (Rutten 2014); thus, this variant is consistent with the predominant mechanism of disease in this gene. Additionally, other amino acid substitutions at this codon (Gly, Phe, Tyr) have been reported in individuals with CADASIL and are considered disease causing (Cleves 2010, Juhosova 2023, Koizumi 2019, Mizuta 2017, Mukai 2020). Based on available information, this variant is considered to be likely pathogenic. References: Cleves C et al. Genetically confirmed CADASIL in a pediatric patient. Pediatrics. 2010 Dec;126(6):e1603-7. PMID: 21078731. Juhosova M et al. Influence of different spectra of NOTCH3 variants on the clinical phenotype of CADASIL - experience from Slovakia. Neurogenetics. 2023 Jan;24(1):1-16. PMID: 36401683. Koizumi T et al. The CADASIL Scale-J, A Modified Scale to Prioritize Access to Genetic Testing for Japanese CADASIL-Suspected Patients. J Stroke Cerebrovasc Dis. 2019 Jun;28(6):1431-1439. PMID: 30956055. Mizuta I et al. New diagnostic criteria for cerebral autosomal dominant arteriopathy with subcortical infarcts and leukocencephalopathy in Japan. J Neurol Sci. 2017 Oct 15;381:62-67. PMID: 28991717. Mukai M et al. Genotype-phenotype correlations and effect of mutation location in Japanese CADASIL patients. J Hum Genet. 2020 Aug;65(8):637-646. PMID: 32277177. Opherk C et al. Long-term prognosis and causes of death in CADASIL: a retrospective study in 411 patients. Brain. 2004 Nov;127(Pt 11):2533-9PMID: 15364702. Peters N et al. Spectrum of mutations in biopsy-proven CADASIL: implications for diagnostic strategies. Arch Neurol. 2005 Jul;62(7):1091-4. PMID: 16009764. Rutten JW et al. Interpretation of NOTCH3 mutations in the diagnosis of CADASIL. Expert Rev Mol Diagn. 2014 Jun;14(5):593-603. PMID: 24844136. Shindo A et al. A Nationwide Survey and Multicenter Registry-Based Database of Cerebral Autosomal Dominant Arteriopathy With Subcortical Infarcts and Leukoencephalopathy in Japan. Front Aging Neurosci. 2020 Jul 14;12:216. PMID: 32765252. Yeung WTE et al. RNF213-related susceptibility of Japanese CADASIL patients to intracranial arterial stenosis. J Hum Genet. 2018 May;63(5):687-690. PMID: 29500468.

Literature cited by the submitters: PubMed 15364702 (cited by 4 submitters); PubMed 16009764 (cited by 4 submitters); PubMed 20301673 (cited by Johns Hopkins Genomics, Johns Hopkins University); PubMed 28991717 (cited by Johns Hopkins Genomics, Johns Hopkins University and Athena Diagnostics); PubMed 37209821 (cited by Johns Hopkins Genomics, Johns Hopkins University and Mayo Clinic Laboratories, Mayo Clinic); PubMed 30956055 (cited by Athena Diagnostics); PubMed 32277177 (cited by Mayo Clinic Laboratories, Mayo Clinic); PubMed 21078731 (cited by Labcorp Genetics (formerly Invitae), Labcorp); PubMed 23025651 (cited by Labcorp Genetics (formerly Invitae), Labcorp).